The following is an entry in ClinVar:

NM_198578.4(LRRK2):c.6734T>C (p.Val2245Ala)

Gene: LRRK2 (leucine rich repeat kinase 2; plus strand). Cytogenetic location: 12q12.
Variant type: single nucleotide variant.
Coding change: c.6734T>C on transcript NM_198578.4 (MANE Select); coding-DNA position 6734, T replaced by C.
Protein change: p.Val2245Ala; replaces valine 2245 with alanine.
Molecular consequence: missense variant.
Genome position (GRCh38, 1-based): chr12:40,354,456, T>C. VCF-style: chr12-40354456-T-C. GRCh37 (hg19) VCF-style: chr12-40748258-T-C.
Other names: short protein forms V2245A.
Identifiers: ClinVar variation 1755157 (VCV001755157.3), dbSNP rs376428096, ClinGen allele CA6514742.

ClinVar aggregate classification (germline): Uncertain significance (1 of 4 stars; one submission).

Conditions:
Inborn genetic diseases. Identifiers: MedGen C0950123, MeSH D030342.

Allele frequency attached by ClinVar (database versions not stated): TOPMed below 0.00001; ExAC 0.00001; gnomAD exomes 0.00001; ESP Exome Variant Server 0.00008.
gnomAD v4.1: 16 of 1,614,140 alleles (0.00099%); highest among the groups gnomAD compares: Non-Finnish European, 0.0013%; no homozygotes.

Submission:

Ambry Genetics
Classification: Uncertain significance for Inborn genetic diseases. Last evaluated: 2023-07-16. Review status: criteria provided, single submitter. Criteria: Ambry Variant Classification Scheme 2023. Collection method: clinical testing. Allele origin: germline.
Comment: The p.V2245A variant (also known as c.6734T>C), located in coding exon 45 of the LRRK2 gene, results from a T to C substitution at nucleotide position 6734. The valine at codon 2245 is replaced by alanine, an amino acid with similar properties. This amino acid position is conserved. In addition, this alteration is predicted to be tolerated by in silico analysis. Since supporting evidence is limited at this time, the clinical significance of this alteration remains unclear.